The following is an entry in ClinVar:

ClinVar aggregate classification (germline): Conflicting classifications of pathogenicity. Review status: criteria provided, conflicting classifications (1 of 4 stars). 3 submissions from 3 submitters: Uncertain significance (2); Likely benign (1). Last evaluated 2024-05-30.

Conditions:
Primary ciliary dyskinesia. Also called: Ciliary dyskinesia. Identifiers: Orphanet 244, MedGen C0008780, MONDO:0016575, HP:0012265.

Allele frequency attached by ClinVar (database versions not stated): gnomAD 0.00001; ExAC 0.00002; gnomAD exomes 0.00002; TOPMed 0.00003.
gnomAD v4.1: 36 of 1,613,598 alleles (0.0022%); highest among the groups gnomAD compares: Middle Eastern, 0.033%; no homozygotes.

Submissions (3):

Ambry Genetics
Classification: Uncertain significance for Primary ciliary dyskinesia. Last evaluated: 2024-05-30. Review status: criteria provided, single submitter. Criteria: Ambry Variant Classification Scheme 2023. Collection method: clinical testing. Allele origin: germline.
Comment: The p.G582S variant (also known as c.1744G>A), located in coding exon 12 of the DNAAF3 gene, results from a G to A substitution at nucleotide position 1744. The glycine at codon 582 is replaced by serine, an amino acid with similar properties. This amino acid position is conserved. In addition, this alteration is predicted to be tolerated by in silico analysis. Based on the available evidence, the clinical significance of this variant remains unclear.

Blueprint Genetics
Classification: Likely benign. Last evaluated: 2023-06-14. Review status: criteria provided, single submitter. Criteria: ACMG Guidelines, 2015. Collection method: clinical testing. Allele origin: germline.

CeGaT Center for Human Genetics Tuebingen
Classification: Uncertain significance. Last evaluated: 2023-06-01. Review status: criteria provided, single submitter. Criteria: CeGaT Center For Human Genetics Tuebingen Variant Classification Criteria Version 2. Collection method: clinical testing. Allele origin: germline. Affected: yes. Observed: 1 variant allele.
Comment: DNAAF3: PM2, BP4

NM_001256715.2(DNAAF3):c.1543G>A (p.Gly515Ser)

Gene: DNAAF3 (dynein axonemal assembly factor 3; minus strand). Cytogenetic location: 19q13.42.
Variant type: single nucleotide variant.
Coding change: c.1543G>A on transcript NM_001256715.2 (MANE Select); coding-DNA position 1543, G replaced by A.
Protein change: p.Gly515Ser; replaces glycine 515 with serine.
Molecular consequence: missense variant.
Genome position (GRCh38, 1-based): chr19:55,159,145, C>T on the plus strand (G>A on the coding strand, the complement: DNAAF3 is on the minus strand). VCF-style: chr19-55159145-C-T. GRCh37 (hg19) VCF-style: chr19-55670513-C-T.
Other names: c.1744G>A, p.Gly582Ser (NM_001256714.1); c.1381G>A, p.Gly461Ser (NM_001256716.2); c.1684G>A, p.Gly562Ser (NM_178837.4); short protein forms G582S, G515S, G562S, G461S.
Identifiers: ClinVar variation 2250287 (VCV002250287.28), dbSNP rs760590357, ClinGen allele CA9667757.
Genomic context (GRCh38, chr19:55,159,145, plus strand): 5'-ACTCACAGTTGGGCGGAGCCAAGGCCCCCTGAGGCTGAGCCAGAACCTCTGAGAGTGAAC[C>T]TGGAGACTCAGAGGGCAGCTGGCAGGGCTCACAGTGTGGGGTCCCACCCTGCAGAGGCTG-3'
Protein context (NP_001243644.1, residues 505-525): EPCQLPSESP[Gly515Ser]SLSEVLAQPQ